The following is an entry in ClinVar:

NM_015909.4(NBAS):c.6037C>T (p.Gln2013Ter)

Gene: NBAS (NBAS subunit of NRZ tethering complex; minus strand). Cytogenetic location: 2p24.3.
Variant type: single nucleotide variant.
Coding change: c.6037C>T on transcript NM_015909.4 (MANE Select); coding-DNA position 6037, C replaced by T.
Protein change: p.Gln2013Ter; replaces glutamine 2013 with a stop codon.
Molecular consequence: nonsense. On other transcripts: non-coding transcript variant (1).
Genome position (GRCh38, 1-based): chr2:15,234,654, G>A on the plus strand (C>T on the coding strand, the complement: NBAS is on the minus strand). VCF-style: chr2-15234654-G-A. GRCh37 (hg19) VCF-style: chr2-15374778-G-A.
Other names: short protein forms Q2013*.
Identifiers: ClinVar variation 4729971 (VCV004729971.1).

ClinVar aggregate classification (germline): Pathogenic (1 of 4 stars; one submission).

Submission:

Labcorp Genetics (formerly Invitae), Labcorp
Classification: Pathogenic. Last evaluated: 2025-10-26. Review status: criteria provided, single submitter. Criteria: Invitae Variant Classification Sherloc (09022015). Collection method: clinical testing. Allele origin: germline.
Comment: This sequence change creates a premature translational stop signal (p.Gln2013*) in the NBAS gene. It is expected to result in an absent or disrupted protein product. Loss-of-function variants in NBAS are known to be pathogenic (PMID: 26073778, 26541327, 27789416, 28031453). This variant is not present in population databases (gnomAD no frequency). This variant has not been reported in the literature in individuals affected with NBAS-related conditions. For these reasons, this variant has been classified as Pathogenic.

Literature cited by the submitters: PubMed 26073778; PubMed 26541327; PubMed 27789416; PubMed 28031453.